The following is an entry in ClinVar:

ClinVar aggregate classification (germline): Uncertain significance (1 of 4 stars; one submission).

Submission:

GeneDx
Classification: Uncertain significance. Last evaluated: 2023-06-15. Review status: criteria provided, single submitter. Criteria: GeneDx Variant Classification Process June 2021. Collection method: clinical testing. Allele origin: germline. Affected: yes.
Comment: Not observed at significant frequency in large population cohorts (gnomAD); In silico analysis supports that this missense variant has a deleterious effect on protein structure/function; Has not been previously published as pathogenic or benign to our knowledge; This variant is associated with the following publications: (PMID: 12668474)

NM_000540.3(RYR1):c.8411T>G (p.Ile2804Ser)

Genes: RYR1 (ryanodine receptor 1; plus strand), LOC126862902 (BRD4-independent group 4 enhancer GRCh37_chr19:38995830-38997029; plus strand). Cytogenetic location: 19q13.2.
Variant type: single nucleotide variant.
Coding change: c.8411T>G on transcript NM_000540.3 (MANE Select); coding-DNA position 8411, T replaced by G.
Protein change: p.Ile2804Ser; replaces isoleucine 2804 with serine.
Molecular consequence: missense variant.
Genome position (GRCh38, 1-based): chr19:38,505,816, T>G. VCF-style: chr19-38505816-T-G. GRCh37 (hg19) VCF-style: chr19-38996456-T-G.
Other names: c.8411T>G, p.Ile2804Ser (NM_001042723.2); short protein forms I2804S.
Identifiers: ClinVar variation 3359898 (VCV003359898.1).